The following is an entry in ClinVar:

NM_000095.3(COMP):c.1201G>C (p.Asp401His)

Gene: COMP (cartilage oligomeric matrix protein; minus strand). Cytogenetic location: 19p13.11.
Variant type: single nucleotide variant.
Coding change: c.1201G>C on transcript NM_000095.3 (MANE Select); coding-DNA position 1201, G replaced by C.
Protein change: p.Asp401His; replaces aspartic acid 401 with histidine.
Molecular consequence: missense variant.
Genome position (GRCh38, 1-based): chr19:18,786,585, C>G on the plus strand (G>C on the coding strand, the complement: COMP is on the minus strand). VCF-style: chr19-18786585-C-G. GRCh37 (hg19) VCF-style: chr19-18897395-C-G.
Other names: short protein forms D401H.
Identifiers: ClinVar variation 818217 (VCV000818217.4), dbSNP rs2055169002, ClinGen allele CA404886636.

ClinVar aggregate classification (germline): Likely pathogenic (1 of 4 stars; one submission).

Conditions:
Pseudoachondroplastic spondyloepiphyseal dysplasia syndrome (PSACH). Also called: PSEUDOACHONDROPLASTIC DYSPLASIA; Pseudoachondroplasia; COMP-Related Pseudoachondroplasia. Identifiers: Orphanet 750, MedGen C0410538, MONDO:0008322, OMIM 177170.

Submission:

Kasturba Medical College, Manipal, Kasturba Medical College, Manipal, Manipal Academy of Higher Education, Manipal, India
Classification: Likely pathogenic for Pseudoachondroplastic spondyloepiphyseal dysplasia syndrome. Last evaluated: 2020-02-03. Review status: criteria provided, single submitter. Criteria: ACMG Guidelines, 2015. Collection method: clinical testing. Allele origin: de novo. Affected: yes. Observed: 1 variant allele.
Comment: The variant is considered to be likely pathogenic as it qualifies following criteria of ACMG: PM1, PM2, PM5, PP2,PP3 and PP4

Literature cited by the submitters: PubMed 12768438.